The following is an entry in ClinVar:

NM_003672.4(CDC14A):c.632C>T (p.Ala211Val)

Gene: CDC14A (cell division cycle 14A; plus strand). Cytogenetic location: 1p21.2.
Variant type: single nucleotide variant.
Coding change: c.632C>T on transcript NM_003672.4 (MANE Select); coding-DNA position 632, C replaced by T.
Protein change: p.Ala211Val; replaces alanine 211 with valine.
Molecular consequence: missense variant. On other transcripts: 5 prime UTR variant (1).
Genome position (GRCh38, 1-based): chr1:100,462,675, C>T. VCF-style: chr1-100462675-C-T. GRCh37 (hg19) VCF-style: chr1-100928231-C-T.
Other names: c.632C>T, p.Ala211Val (NM_001319210.2, NM_033312.3, NM_033313.3); c.458C>T, p.Ala153Val (NM_001319211.2); c.-248C>T (NM_001319212.2); short protein forms A153V, A211V.
Identifiers: ClinVar variation 2638940 (VCV002638940.24), dbSNP rs373986788, ClinGen allele CA341356972.

ClinVar aggregate classification (germline): Uncertain significance (1 of 4 stars; one submission).

Submission:

CeGaT Center for Human Genetics Tuebingen
Classification: Uncertain significance. Last evaluated: 2023-08-01. Review status: criteria provided, single submitter. Criteria: CeGaT Center For Human Genetics Tuebingen Variant Classification Criteria Version 2. Collection method: clinical testing. Allele origin: germline. Affected: yes. Observed: 1 variant allele.
Comment: CDC14A: PM2